The following is an entry in ClinVar:

NM_001382391.1(CSPP1):c.2240A>T (p.Gln747Leu)

Gene: CSPP1 (centrosome and spindle pole associated protein 1; plus strand). Cytogenetic location: 8q13.2.
Variant type: single nucleotide variant.
Coding change: c.2240A>T on transcript NM_001382391.1 (MANE Select); coding-DNA position 2240, A replaced by T.
Protein change: p.Gln747Leu; replaces glutamine 747 with leucine.
Molecular consequence: missense variant.
Genome position (GRCh38, 1-based): chr8:67,154,135, A>T. VCF-style: chr8-67154135-A-T. GRCh37 (hg19) VCF-style: chr8-68066370-A-T.
Other names: c.1190A>T, p.Gln397Leu (NM_001291339.2); c.2159A>T, p.Gln720Leu (NM_001363131.2); c.2045A>T, p.Gln682Leu (NM_001363132.2); c.1964A>T, p.Gln655Leu (NM_001363133.2); c.2306A>T, p.Gln769Leu (NM_001364869.1); c.2126A>T, p.Gln709Leu (NM_001364870.1); c.2225A>T, p.Gln742Leu (NM_024790.7); short protein forms Q720L, Q742L, Q397L, Q655L, Q747L, Q682L, Q709L, Q769L.
Identifiers: ClinVar variation 1445046 (VCV001445046.6), dbSNP rs2129559079, ClinGen allele CA371188125.
Genomic context (GRCh38, chr8:67,154,135, plus strand): 5'-AGCCTCCAACTGAACTTCAGATTAAACAGCAAGAATTATACAAGAATTTTCTTCGTTTCC[A>T]GGTGAAATGCTATTTGATCAGTTTCAAAGTTTCATGAGATTTTAATAAACAAAACTTGCA-3'
Protein context (NP_001369320.1, residues 737-757): QELYKNFLRF[Gln747Leu]IEEKKQREEA

ClinVar aggregate classification (germline): Uncertain significance (1 of 4 stars; one submission).

Conditions:
Joubert syndrome 21 (JBTS21). Identifiers: MedGen C3810212, MONDO:0014288, OMIM 615636.

Allele frequency attached by ClinVar (database versions not stated): gnomAD exomes below 0.00001.
gnomAD v4.1: 2 of 1,379,490 alleles (0.00014%); highest among the groups gnomAD compares: Non-Finnish European, 0.00021%; no homozygotes.

Submission:

Labcorp Genetics (formerly Invitae), Labcorp
Classification: Uncertain significance for Joubert syndrome 21. Last evaluated: 2024-11-11. Review status: criteria provided, single submitter. Criteria: Invitae Variant Classification Sherloc (09022015). Collection method: clinical testing. Allele origin: germline.
Comment: This sequence change replaces glutamine, which is neutral and polar, with leucine, which is neutral and non-polar, at codon 742 of the CSPP1 protein (p.Gln742Leu). This variant is not present in population databases (gnomAD no frequency). This variant has not been reported in the literature in individuals affected with CSPP1-related conditions. ClinVar contains an entry for this variant (Variation ID: 1445046). An algorithm developed to predict the effect of missense changes on protein structure and function (PolyPhen-2) suggests that this variant is likely to be disruptive. Algorithms developed to predict the effect of sequence changes on RNA splicing suggest that this variant may disrupt the consensus splice site. In summary, the available evidence is currently insufficient to determine the role of this variant in disease. Therefore, it has been classified as a Variant of Uncertain Significance.